The following is an entry in ClinVar:

ClinVar aggregate classification (germline): Uncertain significance (1 of 4 stars; one submission).

Conditions:
Developmental and epileptic encephalopathy, 42 (DEE42A). Also called: DEVELOPMENTAL AND EPILEPTIC ENCEPHALOPATHY 42A; EPILEPTIC ENCEPHALOPATHY, EARLY INFANTILE, 42A; Epileptic encephalopathy, early infantile, 42. Identifiers: MedGen C4310716, MONDO:0014917, OMIM 617106.
Episodic ataxia type 2 (EA2). Also called: ATAXIA, EPISODIC, WITH NYSTAGMUS; ATAXIA, FAMILIAL PAROXYSMAL; CEREBELLAR ATAXIA, PAROXYSMAL, ACETAZOLAMIDE-RESPONSIVE; ACETAZOLAMIDE-RESPONSIVE HEREDITARY PAROXYSMAL CEREBELLAR ATAXIA; CEREBELLOPATHY, HEREDITARY PAROXYSMAL; EPISODIC ATAXIA, NYSTAGMUS-ASSOCIATED. Identifiers: Orphanet 97, MedGen C1720416, MONDO:0007163, OMIM 108500.

Submission:

Labcorp Genetics (formerly Invitae), Labcorp
Classification: Uncertain significance for Developmental and epileptic encephalopathy, 42; Episodic ataxia type 2. Last evaluated: 2022-07-05. Review status: criteria provided, single submitter. Criteria: Invitae Variant Classification Sherloc (09022015). Collection method: clinical testing. Allele origin: germline.
Comment: ClinVar contains an entry for this variant (Variation ID: 962066). This variant has not been reported in the literature in individuals affected with CACNA1A-related conditions. This variant is not present in population databases (gnomAD no frequency). This sequence change replaces asparagine, which is neutral and polar, with lysine, which is basic and polar, at codon 75 of the CACNA1A protein (p.Asn75Lys). Algorithms developed to predict the effect of missense changes on protein structure and function are either unavailable or do not agree on the potential impact of this missense change (SIFT: "Deleterious"; PolyPhen-2: "Probably Damaging"; Align-GVGD: "Class C15"). In summary, the available evidence is currently insufficient to determine the role of this variant in disease. Therefore, it has been classified as a Variant of Uncertain Significance. Algorithms developed to predict the effect of sequence changes on RNA splicing suggest that this variant may create or strengthen a splice site.

NM_001127222.2(CACNA1A):c.225C>G (p.Asn75Lys)

Gene: CACNA1A (calcium voltage-gated channel subunit alpha1 A; minus strand). Cytogenetic location: 19p13.13.
Variant type: single nucleotide variant.
Coding change: c.225C>G on transcript NM_001127222.2 (MANE Select); coding-DNA position 225, C replaced by G.
Protein change: p.Asn75Lys; replaces asparagine 75 with lysine.
Molecular consequence: missense variant.
Genome position (GRCh38, 1-based): chr19:13,506,000, G>C on the plus strand (C>G on the coding strand, the complement: CACNA1A is on the minus strand). VCF-style: chr19-13506000-G-C. GRCh37 (hg19) VCF-style: chr19-13616814-G-C.
Other names: c.225C>G, p.Asn75Lys (NM_000068.4, NM_001127221.2, NM_001174080.2 and 1 more transcripts); short protein forms N75K.
Identifiers: ClinVar variation 962066 (VCV000962066.10), dbSNP rs1982991598, ClinGen allele CA404970934.